The following is an entry in ClinVar:

NM_172240.3(POC1B):c.592G>A (p.Gly198Ser)

Genes: POC1B (POC1 centriolar protein B; minus strand), POC1B-DUSP6 (POC1B-DUSP6 readthrough; minus strand). Cytogenetic location: 12q21.33.
Variant type: single nucleotide variant.
Coding change: c.592G>A on transcript NM_172240.3 (MANE Select); coding-DNA position 592, G replaced by A.
Protein change: p.Gly198Ser; replaces glycine 198 with serine.
Molecular consequence: missense variant. On other transcripts: non-coding transcript variant (2).
Genome position (GRCh38, 1-based): chr12:89,471,698, C>T on the plus strand (G>A on the coding strand, the complement: POC1B is on the minus strand). VCF-style: chr12-89471698-C-T. GRCh37 (hg19) VCF-style: chr12-89865475-C-T.
Other names: c.466G>A, p.Gly156Ser (NM_001199777.2); c.592G>A (NM_172240.2); short protein forms G156S, G198S.
Identifiers: ClinVar variation 1479393 (VCV001479393.7), dbSNP rs759047892, ClinGen allele CA6714452.

ClinVar aggregate classification (germline): Uncertain significance. Review status: criteria provided, multiple submitters, no conflicts (2 of 4 stars). 4 submissions from 4 submitters: Uncertain significance (3). 1 of the submissions does not count toward it. Last evaluated 2024-12-02.

Conditions:
Retinal dystrophy. Also called: Inherited retinal dystrophy. Identifiers: Orphanet 71862, MedGen C0854723, MeSH D058499, MONDO:0019118, HP:0000556.
Inborn genetic diseases. Identifiers: MedGen C0950123, MeSH D030342.

Allele frequency attached by ClinVar (database versions not stated): gnomAD 0.00001; TOPMed 0.00003; ExAC 0.00004; gnomAD exomes 0.00004.
gnomAD v4.1: 58 of 1,607,728 alleles (0.0036%); highest among the groups gnomAD compares: Non-Finnish European, 0.00093%; no homozygotes.

Submissions (4):

Ambry Genetics
Classification: Uncertain significance for Inborn genetic diseases. Last evaluated: 2024-12-02. Review status: criteria provided, single submitter. Criteria: Ambry Variant Classification Scheme 2023. Collection method: clinical testing. Allele origin: germline.

Labcorp Genetics (formerly Invitae), Labcorp
Classification: Uncertain significance. Last evaluated: 2023-12-18. Review status: criteria provided, single submitter. Criteria: Invitae Variant Classification Sherloc (09022015). Collection method: clinical testing. Allele origin: germline.
Comment: This sequence change replaces glycine, which is neutral and non-polar, with serine, which is neutral and polar, at codon 198 of the POC1B protein (p.Gly198Ser). This variant is present in population databases (rs759047892, gnomAD 0.08%). This variant has not been reported in the literature in individuals affected with POC1B-related conditions. ClinVar contains an entry for this variant (Variation ID: 1479393). Advanced modeling of protein sequence and biophysical properties (such as structural, functional, and spatial information, amino acid conservation, physicochemical variation, residue mobility, and thermodynamic stability) performed at Invitae indicates that this missense variant is not expected to disrupt POC1B protein function with a negative predictive value of 80%. Algorithms developed to predict the effect of sequence changes on RNA splicing suggest that this variant may disrupt the consensus splice site. In summary, the available evidence is currently insufficient to determine the role of this variant in disease. Therefore, it has been classified as a Variant of Uncertain Significance.

Blueprint Genetics
Classification: Uncertain significance. Last evaluated: 2023-03-21. Review status: criteria provided, single submitter. Criteria: ACMG Guidelines, 2015. Collection method: clinical testing. Allele origin: germline.

Institute of Human Genetics, Univ. Regensburg, Univ. Regensburg
Classification: Uncertain significance for Retinal dystrophy. Last evaluated: 2018-01-01. Review status: no assertion criteria provided. Criteria: ACMG Guidelines, 2015. Collection method: clinical testing. Allele origin: germline. Affected: yes. Not counted in ClinVar's aggregate classification.